The following is an entry in ClinVar:

NM_002691.4(POLD1):c.1746_1751del (p.Gly583_Ala584del)

Gene: POLD1 (DNA polymerase delta 1, catalytic subunit; plus strand). Cytogenetic location: 19q13.33.
Variant type: Deletion.
Coding change: c.1746_1751del on transcript NM_002691.4 (MANE Select); coding-DNA positions 1746 to 1751, 6 bases deleted (GGGAGC; older notation c.1746_1751delGGGAGC).
Protein change: p.Gly583_Ala584del.
Molecular consequence: inframe deletion. On other transcripts: non-coding transcript variant (1).
Genome position (GRCh38, 1-based): chr19:50,407,386-50,407,391, GGGAGC deleted; deleting any 6 consecutive bases within chr19:50,407,385-50,407,391 gives the same sequence; the c. name uses the placement nearest the transcript's 3' end. VCF-style (leftmost placement, unchanged base first): chr19-50407384-ACGGGAG-A. GRCh37 (hg19) VCF-style: chr19-50910641-ACGGGAG-A.
Other names: c.1746_1751del, p.Gly583_Ala584del (NM_001256849.1, NM_001308632.1).
Identifiers: ClinVar variation 819992 (VCV000819992.4), dbSNP rs1601221227, ClinGen allele CA915951940.
Genomic context (GRCh38, chr19:50,407,384, plus strand): 5'-CAGGCCATGCACGAGGGGCTGCTGATGCCCGTGGTGAAGTCAGAGGGCGGCGAGGACTAC[ACGGGAG>A]CCACTGTCATCGAGCCCCTCAAAGGGTGAGGCCCCAGGCTGGGTGCAGTTTTTACCTGTA-3'

ClinVar aggregate classification (germline): Uncertain significance (1 of 4 stars; one submission).

Conditions:
Hereditary cancer-predisposing syndrome. Also called: Neoplastic Syndromes, Hereditary; Tumor predisposition; Hereditary Cancer Syndrome; Hereditary neoplastic syndrome. Identifiers: Orphanet 140162, MedGen C0027672, MeSH D009386, MONDO:0015356.

Submission:

Ambry Genetics
Classification: Uncertain significance for Hereditary cancer-predisposing syndrome. Last evaluated: 2019-09-18. Review status: criteria provided, single submitter. Criteria: Ambry Variant Classification Scheme 2023. Collection method: clinical testing. Allele origin: germline.
Comment: The c.1746_1751delGGGAGC variant (also known as p.G583_A584del) is located in coding exon 13 of the POLD1 gene. This variant results from an in-frame GGGAGC deletion at nucleotide positions 1746 to 1751. This results in the in-frame deletion of two residues at codon 583 to 584. This amino acid region is highly conserved in available vertebrate species. In addition, this alteration is predicted to be deleterious by in silico analysis (Choi Y et al. PLoS ONE. 2012; 7(10):e46688). Since supporting evidence is limited at this time, the clinical significance of this alteration remains unclear.